The following is an entry in ClinVar:

NM_015631.6(TCTN3):c.1518T>G (p.Tyr506Ter)

Gene: TCTN3 (tectonic family member 3; minus strand). Cytogenetic location: 10q24.1.
Variant type: single nucleotide variant.
Coding change: c.1518T>G on transcript NM_015631.6 (MANE Select); coding-DNA position 1518, T replaced by G.
Protein change: p.Tyr506Ter; replaces tyrosine 506 with a stop codon.
Molecular consequence: nonsense.
Genome position (GRCh38, 1-based): chr10:95,680,544, A>C on the plus strand (T>G on the coding strand, the complement: TCTN3 is on the minus strand). VCF-style: chr10-95680544-A-C. GRCh37 (hg19) VCF-style: chr10-97440301-A-C.
Other names: c.1518T>G (NM_015631.5); c.1074T>G, p.Tyr358Ter (NM_001143973.2); c.1422T>G, p.Tyr474Ter (NM_001410982.1); short protein forms Y358*, Y474*, Y506*.
Identifiers: ClinVar variation 3337663 (VCV003337663.2).

ClinVar aggregate classification (germline): Likely pathogenic. Review status: criteria provided, multiple submitters, no conflicts (2 of 4 stars). 2 submissions from 2 submitters: Likely pathogenic (2). Last evaluated 2026-01-28.

Conditions:
TCTN3-related disorder. Also called: TCTN3-related condition.

gnomAD v4.1: 12 of 1,614,072 alleles (0.00074%); highest among the groups gnomAD compares: South Asian, 0.011%; no homozygotes.

Submissions (2):

PreventionGenetics, part of Exact Sciences
Classification: Likely pathogenic for TCTN3-related condition. Last evaluated: 2026-01-28. Review status: criteria provided, single submitter. Criteria: ACMG Guidelines, 2015. Collection method: clinical testing. Allele origin: germline.
Comment: The TCTN3 c.1518T>G variant is predicted to result in premature protein termination (p.Tyr506*). To our knowledge, this variant has not been reported in the literature. This variant is reported in 0.0098% of alleles in individuals of South Asian descent in gnomAD. Nonsense variants in TCTN3 are expected to be pathogenic. This variant is interpreted as likely pathogenic.

Clinical Genetics Laboratory, Skane University Hospital Lund
Classification: Likely pathogenic. Last evaluated: 2023-04-25. Review status: criteria provided, single submitter. Criteria: ACMG Guidelines, 2015. Collection method: clinical testing. Allele origin: germline. Affected: yes.